The following is an entry in ClinVar:

ClinVar aggregate classification (germline): Uncertain significance (1 of 4 stars; one submission).

Conditions:
2-aminoadipic 2-oxoadipic aciduria (AAKAD). Also called: Aminoadipic aciduria; ALPHA-AMINOADIPIC AND ALPHA-KETOADIPIC ACIDURIA. Identifiers: Orphanet 79154, MedGen C1859817, MONDO:0008774, OMIM 204750.

Allele frequency attached by ClinVar (database versions not stated): gnomAD exomes below 0.00001; gnomAD 0.00001; TOPMed 0.00001; ExAC 0.00002.
gnomAD v4.1: 7 of 1,613,848 alleles (0.00043%); highest among the groups gnomAD compares: Non-Finnish European, 0.00042%; no homozygotes.

Submission:

Labcorp Genetics (formerly Invitae), Labcorp
Classification: Uncertain significance for 2-aminoadipic 2-oxoadipic aciduria. Last evaluated: 2023-02-22. Review status: criteria provided, single submitter. Criteria: Invitae Variant Classification Sherloc (09022015). Collection method: clinical testing. Allele origin: germline.
Comment: In summary, the available evidence is currently insufficient to determine the role of this variant in disease. Therefore, it has been classified as a Variant of Uncertain Significance. An algorithm developed to predict the effect of missense changes on protein structure and function (PolyPhen-2) suggests that this variant is likely to be tolerated. ClinVar contains an entry for this variant (Variation ID: 1717369). This variant has not been reported in the literature in individuals affected with DHTKD1-related conditions. This variant is present in population databases (rs780763589, gnomAD 0.002%). This sequence change replaces valine, which is neutral and non-polar, with alanine, which is neutral and non-polar, at codon 52 of the DHTKD1 protein (p.Val52Ala).

NM_018706.7(DHTKD1):c.155T>C (p.Val52Ala)

Gene: DHTKD1 (dehydrogenase E1 and transketolase domain containing 1; plus strand). Cytogenetic location: 10p14.
Variant type: single nucleotide variant.
Coding change: c.155T>C on transcript NM_018706.7 (MANE Select); coding-DNA position 155, T replaced by C.
Protein change: p.Val52Ala; replaces valine 52 with alanine.
Molecular consequence: missense variant.
Genome position (GRCh38, 1-based): chr10:12,081,472, T>C. VCF-style: chr10-12081472-T-C. GRCh37 (hg19) VCF-style: chr10-12123471-T-C.
Other names: short protein forms V52A.
Identifiers: ClinVar variation 1717369 (VCV001717369.6), dbSNP rs780763589, ClinGen allele CA5407465.